The following is an entry in ClinVar:

NM_000350.3(ABCA4):c.6006-16G>A

Gene: ABCA4 (ATP binding cassette subfamily A member 4; minus strand). Cytogenetic location: 1p22.1.
Variant type: single nucleotide variant.
Coding change: c.6006-16G>A on transcript NM_000350.3 (MANE Select); 16 bases into the intron before coding-DNA position 6006, G replaced by A.
Molecular consequence: intron variant.
Genome position (GRCh38, 1-based): chr1:94,005,598, C>T on the plus strand (G>A on the coding strand, the complement: ABCA4 is on the minus strand). VCF-style: chr1-94005598-C-T. GRCh37 (hg19) VCF-style: chr1-94471154-C-T.
Identifiers: ClinVar variation 99426 (VCV000099426.26), dbSNP rs4147863, ClinGen allele CA285824.

ClinVar aggregate classification (germline): Benign. Review status: criteria provided, multiple submitters, no conflicts (2 of 4 stars). 14 submissions from 11 submitters: Benign (10). 4 of the submissions do not count toward it. Last evaluated 2026-02-04.

Conditions:
Age related macular degeneration 2. Also called: MACULAR DEGENERATION, SENILE; MACULOPATHY, AGE-RELATED, 2; MACULOPATHY, AGE-RELATED. Identifiers: MedGen C3495438, MONDO:0007932, OMIM 153800.
Retinitis pigmentosa 19 (RP19). Also called: ABCA4-Related Retinitis Pigmentosa. Identifiers: Orphanet 791, MedGen C1866422, MONDO:0011137, OMIM 601718.
Cone-rod dystrophy 3 (CORD3). Identifiers: Orphanet 1872, MedGen C1858806, MONDO:0011395, OMIM 604116.
Severe early-childhood-onset retinal dystrophy (STGD1). Also called: MACULAR DYSTROPHY WITH FLECKS, TYPE 1; STGD; Stargardt disease 1; Stargardt macular dystrophy; Juvenile onset macular degeneration. Identifiers: Orphanet 364055, Orphanet 827, MedGen C1855465, MeSH D000080362, MONDO:0009549, OMIM 248200.

Allele frequency attached by ClinVar (database versions not stated): TOPMed 0.16168; 1000 Genomes Project 30x 0.13929; 1000 Genomes Project 0.14097; ESP Exome Variant Server 0.17354.
gnomAD v4.1: 276,761 of 1,610,232 alleles (17%); highest among the groups gnomAD compares: Non-Finnish European, 18%; 24,726 homozygotes.

Submissions (14):

Labcorp Genetics (formerly Invitae), Labcorp
Classification: Benign. Last evaluated: 2026-02-04. Review status: criteria provided, single submitter. Criteria: Invitae Variant Classification Sherloc (09022015). Collection method: clinical testing. Allele origin: germline.

Blueprint Genetics
Classification: Benign. Last evaluated: 2024-11-26. Review status: criteria provided, single submitter. Criteria: ACMG Guidelines, 2015. Collection method: clinical testing. Allele origin: germline.

Genome-Nilou Lab
Classification: Benign for Severe early-childhood-onset retinal dystrophy. Last evaluated: 2021-07-14. Review status: criteria provided, single submitter. Criteria: ACMG Guidelines, 2015. Collection method: clinical testing. Allele origin: germline. Affected: no.

Genome-Nilou Lab
Classification: Benign for Retinitis pigmentosa 19. Last evaluated: 2021-07-14. Review status: criteria provided, single submitter. Criteria: ACMG Guidelines, 2015. Collection method: clinical testing. Allele origin: germline. Affected: no.

Genome-Nilou Lab
Classification: Benign for Cone-rod dystrophy 3. Last evaluated: 2021-07-14. Review status: criteria provided, single submitter. Criteria: ACMG Guidelines, 2015. Collection method: clinical testing. Allele origin: germline. Affected: no.

Genome-Nilou Lab
Classification: Benign for Age related macular degeneration 2. Last evaluated: 2021-07-14. Review status: criteria provided, single submitter. Criteria: ACMG Guidelines, 2015. Collection method: clinical testing. Allele origin: germline. Affected: no.

Eurofins Ntd Llc (ga)
Classification: Benign. Last evaluated: 2017-01-23. Review status: criteria provided, single submitter. Criteria: EGL Classification Definitions 2015. Collection method: clinical testing. Allele origin: germline. Observed: 1 variant allele, 1 heterozygote.

GeneDx
Classification: Benign. Last evaluated: 2012-10-10. Review status: criteria provided, single submitter. Criteria: GeneDx Variant Classification (06012015). Collection method: clinical testing. Allele origin: germline. Affected: yes.
Comment: This variant is considered likely benign or benign based on one or more of the following criteria: it is a conservative change, it occurs at a poorly conserved position in the protein, it is predicted to be benign by multiple in silico algorithms, and/or has population frequency not consistent with disease.

Breakthrough Genomics
Classification: Benign. Review status: criteria provided, single submitter. Criteria: ACMG Guidelines, 2015. Collection method: not provided. Allele origin: germline. Inheritance: Autosomal recessive inheritance. Affected: yes.

PreventionGenetics, part of Exact Sciences
Classification: Benign. Review status: criteria provided, single submitter. Criteria: ACMG Guidelines, 2015. Collection method: clinical testing. Allele origin: germline.

Clinical Genetics DNA and cytogenetics Diagnostics Lab, Erasmus MC, Erasmus Medical Center
Classification: Benign. Review status: no assertion criteria provided. Collection method: clinical testing. Allele origin: germline. Affected: yes. Study: VKGL Data-share Consensus. Not counted in ClinVar's aggregate classification.

Diagnostic Laboratory, Department of Genetics, University Medical Center Groningen
Classification: Benign. Review status: no assertion criteria provided. Collection method: clinical testing. Allele origin: germline. Affected: yes. Study: VKGL Data-share Consensus. Not counted in ClinVar's aggregate classification.

Joint Genome Diagnostic Labs from Nijmegen and Maastricht, Radboudumc and MUMC+
Classification: Benign. Review status: no assertion criteria provided. Collection method: clinical testing. Allele origin: germline. Affected: yes. Study: VKGL Data-share Consensus. Not counted in ClinVar's aggregate classification.

Retina International
No classification provided. Review status: no classification provided. Collection method: not provided. Allele origin: not provided. Not counted in ClinVar's aggregate classification.